The following is an entry in ClinVar:

ClinVar aggregate classification (germline): other (0 of 4 stars; one submission).

Conditions:
Familial colorectal cancer. Identifiers: MedGen CN280943, MONDO:0023113. Disease mechanism: loss of function.

Submission:

Systems Biology Platform Zhejiang California International NanoSystems Institute
Classification: other for Familial colorectal cancer. Review status: no assertion criteria provided. Collection method: not provided. Allele origin: unknown.
ClinVar note: Converted during submission from cancer to other.

NM_000038.6(APC):c.-19+1328C>A

Gene: APC (APC regulator of WNT signaling pathway; plus strand). Cytogenetic location: 5q22.2.
Variant type: single nucleotide variant.
Coding change: c.-19+1328C>A on transcript NM_000038.6 (MANE Select); 1328 bases into the intron after 19 bases upstream of the start codon, C replaced by A.
Molecular consequence: intron variant.
Genome position (GRCh38, 1-based): chr5:112,739,253, C>A. VCF-style: chr5-112739253-C-A. GRCh37 (hg19) VCF-style: chr5-112074950-C-A.
Other names: c.-18-15620C>A (NM_001354895.2); c.166-27073C>A (NM_001354897.2, NM_001354902.2, NM_001127511.3); c.-19+793C>A (NM_001127510.3); c.60+793C>A (NM_001354898.2, NM_001354904.2); c.-1054+1328C>A (NM_001354906.2); c.-19+1328C>A (NM_001354896.2, NM_001354903.2, NM_001354899.2); c.-43+1328C>A (NM_001354900.2, NM_001354901.2, NM_001354905.2).
Identifiers: ClinVar variation 82749 (VCV000082749.2), dbSNP rs74579629, ClinGen allele CA006337.
Genomic context (GRCh38, chr5:112,739,253, plus strand): 5'-GTACTCATGAGATATACTCTTGATATAAAGTGTTTTTCATTGAGCTTTTTTTTCCTTTAC[C>A]TAAATGTAAAAGCCTATCTTTATGCATACTTATAGTAGCCAGCCTGCCACACCTCCCCAC-3'